The following is an entry in ClinVar:

NM_001385641.1(SAMD11):c.572T>C (p.Ile191Thr)

Gene: SAMD11 (sterile alpha motif domain containing 11; plus strand). Cytogenetic location: 1p36.33.
Variant type: single nucleotide variant.
Coding change: c.572T>C on transcript NM_001385641.1 (MANE Select); coding-DNA position 572, T replaced by C.
Protein change: p.Ile191Thr; replaces isoleucine 191 with threonine.
Molecular consequence: missense variant.
Genome position (GRCh38, 1-based): chr1:925,976, T>C. VCF-style: chr1-925976-T-C. GRCh37 (hg19) VCF-style: chr1-861356-T-C.
Other names: c.572T>C, p.Ile191Thr (NM_001385640.1); c.35T>C, p.Ile12Thr (NM_152486.4); c.35T>C (NM_152486.2); short protein forms I191T, I12T.
Identifiers: ClinVar variation 1362713 (VCV001362713.10), dbSNP rs1030245330, ClinGen allele CA16702493.

ClinVar aggregate classification (germline): Uncertain significance. Review status: criteria provided, multiple submitters, no conflicts (2 of 4 stars). 2 submissions from 2 submitters: Uncertain significance (2). Last evaluated 2025-03-01.

Allele frequency attached by ClinVar (database versions not stated): gnomAD 0.00001; gnomAD exomes 0.00001; TOPMed 0.00003.
gnomAD v4.1: 18 of 1,612,158 alleles (0.0011%); highest among the groups gnomAD compares: Non-Finnish European, 0.0014%; no homozygotes.

Submissions (2):

Ambry Genetics
Classification: Uncertain significance. Last evaluated: 2025-03-01. Review status: criteria provided, single submitter. Criteria: Ambry Variant Classification Scheme 2023. Collection method: clinical testing. Allele origin: germline.

Labcorp Genetics (formerly Invitae), Labcorp
Classification: Uncertain significance. Last evaluated: 2022-10-25. Review status: criteria provided, single submitter. Criteria: Invitae Variant Classification Sherloc (09022015). Collection method: clinical testing. Allele origin: germline.
Comment: ClinVar contains an entry for this variant (Variation ID: 1362713). In summary, the available evidence is currently insufficient to determine the role of this variant in disease. Therefore, it has been classified as a Variant of Uncertain Significance. Algorithms developed to predict the effect of missense changes on protein structure and function are either unavailable or do not agree on the potential impact of this missense change (SIFT: "Deleterious"; PolyPhen-2: "Probably Damaging"; Align-GVGD: "Class C0"). This variant has not been reported in the literature in individuals affected with SAMD11-related conditions. This variant is present in population databases (no rsID available, gnomAD 0.007%). This sequence change replaces isoleucine, which is neutral and non-polar, with threonine, which is neutral and polar, at codon 12 of the SAMD11 protein (p.Ile12Thr).